The following is an entry in ClinVar:

ClinVar aggregate classification (germline): Conflicting classifications of pathogenicity. Review status: criteria provided, conflicting classifications (1 of 4 stars). 5 submissions from 5 submitters: Uncertain significance (2); Likely benign (3). Last evaluated 2025-11-17.

Conditions:
X-linked Opitz G/BBB syndrome (GBBB). Also called: OPITZ BBBG SYNDROME, TYPE I; OPITZ SYNDROME, X-LINKED; OPITZ-G SYNDROME, TYPE I; Opitz-Frias syndrome; MID1-Related Opitz G/BBB Syndrome. Identifiers: Orphanet 2745, MedGen C2936904, MONDO:0010222, OMIM 300000.

Allele frequency attached by ClinVar (database versions not stated): ExAC 0.00002; gnomAD exomes 0.00002; gnomAD 0.00003.
gnomAD v4.1: 30 of 1,210,228 alleles (0.0025%); highest among the groups gnomAD compares: Middle Eastern, 0.16%; no homozygotes.

Submissions (5):

Women's Health and Genetics/Laboratory Corporation of America, LabCorp
Classification: Uncertain significance. Last evaluated: 2025-11-17. Review status: criteria provided, single submitter. Criteria: LabCorp Variant Classification Summary - May 2015. Collection method: clinical testing. Allele origin: germline.
Comment: Variant summary: MID1 c.1841C>T (p.Ser614Phe) results in a non-conservative amino acid change located in the B30.2/SPRY domain (IPR001870) of the encoded protein sequence. Algorithms developed to predict the effect of missense changes on protein structure and function are either unavailable or do not agree on the potential impact of this missense change. The variant allele was found at a frequency of 1.6e-05 in 183056 control chromosomes. The available data on variant occurrences in the general population are insufficient to allow any conclusion about variant significance. To our knowledge, no occurrence of c.1841C>T in individuals affected with MID1-related conditions and no experimental evidence demonstrating its impact on protein function have been reported. ClinVar contains an entry for this variant (Variation ID: 2445871). Based on the evidence outlined above, the variant was classified as uncertain significance.

Labcorp Genetics (formerly Invitae), Labcorp
Classification: Likely benign. Last evaluated: 2025-11-03. Review status: criteria provided, single submitter. Criteria: Invitae Variant Classification Sherloc (09022015). Collection method: clinical testing. Allele origin: germline.

Blueprint Genetics
Classification: Likely benign. Last evaluated: 2024-06-21. Review status: criteria provided, single submitter. Criteria: ACMG Guidelines, 2015. Collection method: clinical testing. Allele origin: germline.

CeGaT Center for Human Genetics Tuebingen
Classification: Likely benign. Last evaluated: 2024-04-01. Review status: criteria provided, single submitter. Criteria: CeGaT Center For Human Genetics Tuebingen Variant Classification Criteria Version 2. Collection method: clinical testing. Allele origin: germline. Affected: yes. Observed: 2 variant alleles.
Comment: MID1: BS1

Revvity Omics, Revvity
Classification: Uncertain significance for X-linked Opitz G/BBB syndrome. Last evaluated: 2023-10-04. Review status: criteria provided, single submitter. Criteria: ACMG Guidelines, 2015. Collection method: clinical testing. Allele origin: germline.

NM_000381.4(MID1):c.1841C>T (p.Ser614Phe)

Genes: MID1 (midline 1; minus strand), LOC126863207 (BRD4-independent group 4 enhancer GRCh37_chrX:10416979-10418178; plus strand). Cytogenetic location: Xp22.2.
Variant type: single nucleotide variant.
Coding change: c.1841C>T on transcript NM_000381.4 (MANE Select); coding-DNA position 1841, C replaced by T.
Protein change: p.Ser614Phe; replaces serine 614 with phenylalanine.
Molecular consequence: missense variant.
Genome position (GRCh38, 1-based): chrX:10,449,531, G>A on the plus strand (C>T on the coding strand, the complement: MID1 is on the minus strand). VCF-style: chrX-10449531-G-A. GRCh37 (hg19) VCF-style: chrX-10417571-G-A.
Other names: c.1841C>T, p.Ser614Phe (NM_001098624.2, NM_001193277.1, NM_001347733.2 and 1 more transcripts); c.1727C>T, p.Ser576Phe (NM_033289.2); c.1841C>T (NM_000381.3); short protein forms S576F, S614F.
Identifiers: ClinVar variation 2445871 (VCV002445871.30), dbSNP rs767500744, ClinGen allele CA10347400.
Genomic context (GRCh38, chrX:10,449,531, plus strand): 5'-GCAAATGCGACGTCGAAGGTGTAGAGGTGGATGGAGTTCAAAGCATCATAAAAGGCGATA[G>A]AGCCGTTATCATAGTCCAGCAGGATGCCCACGCGCCGGAGGTGGGGGGCAGGCTCAATGG-3'
Protein context (NP_000372.1, residues 604-624): VGILLDYDNG[Ser614Phe]IAFYDALNSI